The following is an entry in ClinVar:

ClinVar aggregate classification (germline): Uncertain significance. Review status: criteria provided, multiple submitters, no conflicts (2 of 4 stars). 2 submissions from 2 submitters: Uncertain significance (2). Last evaluated 2024-05-01.

Submissions (2):

Women's Health and Genetics/Laboratory Corporation of America, LabCorp
Classification: Uncertain significance. Last evaluated: 2024-05-01. Review status: criteria provided, single submitter. Criteria: LabCorp Variant Classification Summary - May 2015. Collection method: clinical testing. Allele origin: germline.
Comment: Variant summary: WNT1 c.371C>T (p.Thr124Met) results in a non-conservative amino acid change in the encoded protein sequence. Five of five in-silico tools predict a damaging effect of the variant on protein function. The variant was absent in 248798 control chromosomes. c.371C>T has been reported in the literature in compound heterozygous individuals affected with Osteogenesis Imperfecta (e.g. Chen_2023, Li_2018). These data indicate that the variant may be associated with disease. To our knowledge, no experimental evidence demonstrating an impact on protein function has been reported. The following publications have been ascertained in the context of this evaluation (PMID: 37730650, 30715774). ClinVar contains an entry for this variant (Variation ID: 2169567). Based on the evidence outlined above, the variant was classified as VUS-possibly pathogenic.

Labcorp Genetics (formerly Invitae), Labcorp
Classification: Uncertain significance. Last evaluated: 2023-04-26. Review status: criteria provided, single submitter. Criteria: Invitae Variant Classification Sherloc (09022015). Collection method: clinical testing. Allele origin: germline.
Comment: In summary, the available evidence is currently insufficient to determine the role of this variant in disease. Therefore, it has been classified as a Variant of Uncertain Significance. Advanced modeling of protein sequence and biophysical properties (such as structural, functional, and spatial information, amino acid conservation, physicochemical variation, residue mobility, and thermodynamic stability) performed at Invitae indicates that this missense variant is not expected to disrupt WNT1 protein function. ClinVar contains an entry for this variant (Variation ID: 2169567). This missense change has been observed in individual(s) with osteogenesis imperfecta (PMID: 30715774; Invitae). This variant is not present in population databases (gnomAD no frequency). This sequence change replaces threonine, which is neutral and polar, with methionine, which is neutral and non-polar, at codon 124 of the WNT1 protein (p.Thr124Met).

Literature cited by the submitters: PubMed 30715774 (cited by Women's Health and Genetics/Laboratory Corporation of America, LabCorp and Labcorp Genetics (formerly Invitae), Labcorp); PubMed 37730650 (cited by Women's Health and Genetics/Laboratory Corporation of America, LabCorp).

NM_005430.4(WNT1):c.371C>T (p.Thr124Met)

Gene: WNT1 (Wnt family member 1; plus strand). Cytogenetic location: 12q13.12.
Variant type: single nucleotide variant.
Coding change: c.371C>T on transcript NM_005430.4 (MANE Select); coding-DNA position 371, C replaced by T.
Protein change: p.Thr124Met; replaces threonine 124 with methionine.
Molecular consequence: missense variant.
Genome position (GRCh38, 1-based): chr12:48,980,436, C>T. VCF-style: chr12-48980436-C-T. GRCh37 (hg19) VCF-style: chr12-49374219-C-T.
Other names: short protein forms T124M.
Identifiers: ClinVar variation 2169567 (VCV002169567.5), dbSNP rs2498947274, ClinGen allele CA384630449.